The following is an entry in ClinVar:

NM_000285.4(PEPD):c.103C>T (p.Arg35Trp)

Gene: PEPD (peptidase D; minus strand). Cytogenetic location: 19q13.11.
Variant type: single nucleotide variant.
Coding change: c.103C>T on transcript NM_000285.4 (MANE Select); coding-DNA position 103, C replaced by T.
Protein change: p.Arg35Trp; replaces arginine 35 with tryptophan.
Molecular consequence: missense variant.
Genome position (GRCh38, 1-based): chr19:33,512,691, G>A on the plus strand (C>T on the coding strand, the complement: PEPD is on the minus strand). VCF-style: chr19-33512691-G-A. GRCh37 (hg19) VCF-style: chr19-34003597-G-A.
Other names: p.Arg35Trp; c.103C>T, p.Arg35Trp (NM_001166056.2, NM_001166057.2); short protein forms R35W.
Identifiers: ClinVar variation 3643959 (VCV003643959.2).
Genomic context (GRCh38, chr19:33,512,691, plus strand): 5'-GAGTCTCCTCCCCGCCCTGCAGGACCACGATGGAGCCGGCCTGCACAGCAGGGTTCTTCC[G>A]CAGCCGCTCACACAGGCGCTGCCGGTTCAAGGCAAAGAGCGCCAGCGGCACCTTCAGGGT-3'
Protein context (NP_000276.2, residues 25-45): LNRQRLCERL[Arg35Trp]KNPAVQAGSI

ClinVar aggregate classification (germline): Uncertain significance. Review status: criteria provided, multiple submitters, no conflicts (2 of 4 stars). 2 submissions from 2 submitters: Uncertain significance (2). Last evaluated 2025-12-04.

gnomAD v4.1: 28 of 1,613,982 alleles (0.0017%); highest among the groups gnomAD compares: Admixed American, 0.01%; no homozygotes.

Submissions (2):

Mayo Clinic Laboratories, Mayo Clinic
Classification: Uncertain significance. Last evaluated: 2025-12-04. Review status: criteria provided, single submitter. Criteria: ACMG Guidelines, 2015. Collection method: clinical testing. Allele origin: germline. Observed: 1 variant allele.

Labcorp Genetics (formerly Invitae), Labcorp
Classification: Uncertain significance. Last evaluated: 2025-01-07. Review status: criteria provided, single submitter. Criteria: Invitae Variant Classification Sherloc (09022015). Collection method: clinical testing. Allele origin: germline.
Comment: This sequence change replaces arginine, which is basic and polar, with tryptophan, which is neutral and slightly polar, at codon 35 of the PEPD protein (p.Arg35Trp). This variant is present in population databases (rs185183225, gnomAD 0.02%). This variant has not been reported in the literature in individuals affected with PEPD-related conditions. Invitae Evidence Modeling of protein sequence and biophysical properties (such as structural, functional, and spatial information, amino acid conservation, physicochemical variation, residue mobility, and thermodynamic stability) has been performed for this missense variant. However, the output from this modeling did not meet the statistical confidence thresholds required to predict the impact of this variant on PEPD protein function. In summary, the available evidence is currently insufficient to determine the role of this variant in disease. Therefore, it has been classified as a Variant of Uncertain Significance.